The following is an entry in ClinVar:

NM_014444.5(TUBGCP4):c.1732-14T>C

Genes: TP53BP1 (tumor protein p53 binding protein 1; minus strand), TUBGCP4 (tubulin gamma complex component 4; plus strand). Cytogenetic location: 15q15.3.
Variant type: single nucleotide variant.
Coding change: c.1732-14T>C on transcript NM_014444.5 (MANE Select); 14 bases into the intron before coding-DNA position 1732, T replaced by C.
Molecular consequence: intron variant. On other transcripts: 3 prime UTR variant (5).
Genome position (GRCh38, 1-based): chr15:43,403,669, T>C. VCF-style: chr15-43403669-T-C. GRCh37 (hg19) VCF-style: chr15-43695867-T-C.
Other names: c.*3714A>G (NM_001141979.3, NM_001141980.3, NM_001355001.2 and 2 more transcripts); c.1735-14T>C (NM_001286414.3).
Identifiers: ClinVar variation 2102341 (VCV002102341.2), dbSNP rs1410514865, ClinGen allele CA712970751.

ClinVar aggregate classification (germline): Uncertain significance (1 of 4 stars; one submission).

Allele frequency attached by ClinVar (database versions not stated): gnomAD exomes below 0.00001; gnomAD 0.00001; TOPMed 0.00001.
gnomAD v4.1: 3 of 1,593,900 alleles (0.00019%); highest among the groups gnomAD compares: African/African-American, 0.0013%; no homozygotes.

Submission:

Labcorp Genetics (formerly Invitae), Labcorp
Classification: Uncertain significance. Last evaluated: 2022-07-19. Review status: criteria provided, single submitter. Criteria: Invitae Variant Classification Sherloc (09022015). Collection method: clinical testing. Allele origin: germline.
Comment: Algorithms developed to predict the effect of sequence changes on RNA splicing suggest that this variant may disrupt the consensus splice site. In summary, the available evidence is currently insufficient to determine the role of this variant in disease. Therefore, it has been classified as a Variant of Uncertain Significance. This variant has not been reported in the literature in individuals affected with TUBGCP4-related conditions. This variant is not present in population databases (gnomAD no frequency). This sequence change falls in intron 15 of the TUBGCP4 gene. It does not directly change the encoded amino acid sequence of the TUBGCP4 protein.